The following is an entry in ClinVar:

NM_004656.4(BAP1):c.581-16T>C

Gene: BAP1 (BRCA1 associated deubiquitinase 1; minus strand). Cytogenetic location: 3p21.1.
Variant type: single nucleotide variant.
Coding change: c.581-16T>C on transcript NM_004656.4 (MANE Select); 16 bases into the intron before coding-DNA position 581, T replaced by C.
Molecular consequence: intron variant.
Genome position (GRCh38, 1-based): chr3:52,406,923, A>G on the plus strand (T>C on the coding strand, the complement: BAP1 is on the minus strand). VCF-style: chr3-52406923-A-G. GRCh37 (hg19) VCF-style: chr3-52440939-A-G.
Identifiers: ClinVar variation 490872 (VCV000490872.14), dbSNP rs573678535, ClinGen allele CA2437045.

ClinVar aggregate classification (germline): Likely benign. Review status: criteria provided, multiple submitters, no conflicts (2 of 4 stars). 4 submissions from 4 submitters: Likely benign (4). Last evaluated 2025-10-05.

Conditions:
Hereditary cancer-predisposing syndrome. Also called: Hereditary Cancer Syndrome; Neoplastic Syndromes, Hereditary; Tumor predisposition; Hereditary neoplastic syndrome. Identifiers: Orphanet 140162, MedGen C0027672, MeSH D009386, MONDO:0015356.
BAP1-related tumor predisposition syndrome (TPDS1). Also called: Tumor susceptibility linked to germline BAP1 mutations; BAP1 tumor predisposition syndrome; COMMON Syndrome; TUMOR PREDISPOSITION SYNDROME 1. Identifiers: Orphanet 289539, MedGen C3280492, MONDO:0013692, OMIM 614327.

Allele frequency attached by ClinVar (database versions not stated): gnomAD below 0.00001 and 0.00003; gnomAD exomes 0.00005 and 0.00008; 1000 Genomes Project 0.00020; 1000 Genomes Project 30x 0.00031; ExAC 0.00031.

Submissions (4):

Labcorp Genetics (formerly Invitae), Labcorp
Classification: Likely benign for BAP1-related tumor predisposition syndrome. Last evaluated: 2025-10-05. Review status: criteria provided, single submitter. Criteria: Invitae Variant Classification Sherloc (09022015). Collection method: clinical testing. Allele origin: germline.

Center for Genomic Medicine, Rigshospitalet, Copenhagen University Hospital
Classification: Likely benign. Last evaluated: 2025-03-04. Review status: criteria provided, single submitter. Criteria: ACMG Guidelines, 2015. Collection method: clinical testing. Allele origin: germline.

Myriad Genetics, Inc.
Classification: Likely benign for BAP1-related tumor predisposition syndrome. Last evaluated: 2024-07-12. Review status: criteria provided, single submitter. Criteria: Myriad Autosomal Dominant, Autosomal Recessive and X-Linked Classification Criteria (2023). Collection method: clinical testing. Allele origin: unknown.
Comment: This variant is considered likely benign. This variant is intronic and is not expected to impact mRNA splicing.

Color Diagnostics, LLC DBA Color Health
Classification: Likely benign for Hereditary cancer-predisposing syndrome. Last evaluated: 2017-07-25. Review status: criteria provided, single submitter. Criteria: ACMG Guidelines, 2015. Collection method: clinical testing. Allele origin: germline.